The following is an entry in ClinVar:

ClinVar aggregate classification (germline): Uncertain significance (1 of 4 stars; one submission).

Conditions:
Peutz-Jeghers syndrome (PJS). Also called: POLYPOSIS, HAMARTOMATOUS INTESTINAL; POLYPS-AND-SPOTS SYNDROME; Peutz-Jeghers polyposis; Periorificial lentiginosis syndrome. Identifiers: Orphanet 2869, MedGen C0031269, MeSH D010580, MONDO:0008280, OMIM 175200.

gnomAD v4.1: 1 of 1,542,538 alleles (0.000065%); highest among the groups gnomAD compares: Non-Finnish European, 0.000087%; no homozygotes.

Submission:

Labcorp Genetics (formerly Invitae), Labcorp
Classification: Uncertain significance for Peutz-Jeghers syndrome. Last evaluated: 2019-10-09. Review status: criteria provided, single submitter. Criteria: Invitae Variant Classification Sherloc (09022015). Collection method: clinical testing. Allele origin: germline.
Comment: This sequence change results in a premature translational stop signal in the STK11 gene (p.Ser428*). While this is not anticipated to result in nonsense mediated decay, it is expected to disrupt the last 6 amino acids of the STK11 protein. The frequency data for this variant in the population databases is considered unreliable, as metrics indicate insufficient coverage at this position in the ExAC database. In summary, the available evidence is currently insufficient to determine the role of this variant in disease. Therefore, it has been classified as a Variant of Uncertain Significance. Algorithms developed to predict the effect of sequence changes on RNA splicing suggest that this variant may create or strengthen a splice site, but this prediction has not been confirmed by published transcriptional studies. This variant has not been reported in the literature in individuals with STK11-related conditions.

NM_000455.5(STK11):c.1283C>A (p.Ser428Ter)

Gene: STK11 (serine/threonine kinase 11; plus strand). Cytogenetic location: 19p13.3.
Variant type: single nucleotide variant.
Coding change: c.1283C>A on transcript NM_000455.5 (MANE Select); coding-DNA position 1283, C replaced by A.
Protein change: p.Ser428Ter; replaces serine 428 with a stop codon.
Molecular consequence: nonsense.
Genome position (GRCh38, 1-based): chr19:1,226,628, C>A. VCF-style: chr19-1226628-C-A. GRCh37 (hg19) VCF-style: chr19-1226627-C-A.
Other names: short protein forms S428*.
Identifiers: ClinVar variation 934409 (VCV000934409.7), dbSNP rs587781537, ClinGen allele CA402954213.